The following is an entry in ClinVar:

ClinVar aggregate classification (germline): Uncertain significance (1 of 4 stars; one submission).

Submission:

Ambry Genetics
Classification: Uncertain significance. Last evaluated: 2023-01-19. Review status: criteria provided, single submitter. Criteria: Ambry Variant Classification Scheme 2023. Collection method: clinical testing. Allele origin: germline.
Comment: The p.P1319R variant (also known as c.3956C>G), located in coding exon 4 of the ALPK2 gene, results from a C to G substitution at nucleotide position 3956. The proline at codon 1319 is replaced by arginine, an amino acid with dissimilar properties. This amino acid position is conserved. In addition, this alteration is predicted to be tolerated by in silico analysis. Since supporting evidence is limited at this time, the clinical significance of this alteration remains unclear.

NM_052947.4(ALPK2):c.3956C>G (p.Pro1319Arg)

Genes: ALPK2 (alpha kinase 2; minus strand), LOC126862764 (BRD4-independent group 4 enhancer GRCh37_chr18:56202574-56203773; plus strand). Cytogenetic location: 18q21.31.
Variant type: single nucleotide variant.
Coding change: c.3956C>G on transcript NM_052947.4 (MANE Select); coding-DNA position 3956, C replaced by G.
Protein change: p.Pro1319Arg; replaces proline 1319 with arginine.
Molecular consequence: missense variant.
Genome position (GRCh38, 1-based): chr18:58,536,231, G>C on the plus strand (C>G on the coding strand, the complement: ALPK2 is on the minus strand). VCF-style: chr18-58536231-G-C. GRCh37 (hg19) VCF-style: chr18-56203463-G-C.
Other names: short protein forms P1319R.
Identifiers: ClinVar variation 2449264 (VCV002449264.2), dbSNP rs2518875670, ClinGen allele CA402565014.